The following is an entry in ClinVar:

NM_006648.4(WNK2):c.77T>A (p.Met26Lys)

Gene: WNK2 (WNK lysine deficient protein kinase 2; plus strand). Cytogenetic location: 9q22.31.
Variant type: single nucleotide variant.
Coding change: c.77T>A on transcript NM_006648.4 (MANE Select); coding-DNA position 77, T replaced by A.
Protein change: p.Met26Lys; replaces methionine 26 with lysine.
Molecular consequence: missense variant.
Genome position (GRCh38, 1-based): chr9:93,185,006, T>A. VCF-style: chr9-93185006-T-A. GRCh37 (hg19) VCF-style: chr9-95947288-T-A.
Other names: c.77T>A, p.Met26Lys (NM_001282394.3); short protein forms M26K.
Identifiers: ClinVar variation 4201684 (VCV004201684.1).

ClinVar aggregate classification (germline): Uncertain significance (1 of 4 stars; one submission).

Submission:

Ambry Genetics
Classification: Uncertain significance. Last evaluated: 2025-07-31. Review status: criteria provided, single submitter. Criteria: Ambry Variant Classification Scheme 2023. Collection method: clinical testing. Allele origin: germline.
Comment: The p.M26K variant (also known as c.77T>A), located in coding exon 1 of the WNK2 gene, results from a T to A substitution at nucleotide position 77. The methionine at codon 26 is replaced by lysine, an amino acid with similar properties. This amino acid position is conserved. In addition, this alteration is predicted to be tolerated by in silico analysis. Based on the available evidence, the clinical significance of this variant remains unclear.